The following is an entry in ClinVar:

ClinVar aggregate classification (germline): Uncertain significance. Review status: criteria provided, single submitter (1 of 4 stars). 2 submissions from 2 submitters: Uncertain significance (1). 1 of the submissions does not count toward it. Last evaluated 2021-05-03.

Conditions:
GTPBP3-related disorder. Also called: GTPBP3-related condition.

Allele frequency attached by ClinVar (database versions not stated): gnomAD exomes below 0.00001; gnomAD 0.00003; TOPMed 0.00003.

Submissions (2):

Labcorp Genetics (formerly Invitae), Labcorp
Classification: Uncertain significance. Last evaluated: 2021-05-03. Review status: criteria provided, single submitter. Criteria: Invitae Variant Classification Sherloc (09022015). Collection method: clinical testing. Allele origin: germline.
Comment: This sequence change falls in intron 6 of the GTPBP3 gene. It does not directly change the encoded amino acid sequence of the GTPBP3 protein. It affects a nucleotide within the consensus splice site of the intron. This variant is not present in population databases (ExAC no frequency). This variant has not been reported in the literature in individuals with GTPBP3-related conditions. Nucleotide substitutions within the consensus splice site are a relatively common cause of aberrant splicing (PMID: 17576681, 9536098). Algorithms developed to predict the effect of sequence changes on RNA splicing suggest that this variant is not likely to affect RNA splicing, but this prediction has not been confirmed by published transcriptional studies. In summary, the available evidence is currently insufficient to determine the role of this variant in disease. Therefore, it has been classified as a Variant of Uncertain Significance.

PreventionGenetics, part of Exact Sciences
Classification: Likely benign for GTPBP3-related condition. Last evaluated: 2019-10-22. Review status: no assertion criteria provided. Collection method: clinical testing. Allele origin: germline. Not counted in ClinVar's aggregate classification.
Comment: This variant is classified as likely benign based on ACMG/AMP sequence variant interpretation guidelines (Richards et al. 2015 PMID: 25741868, with internal and published modifications).

Literature cited by the submitters: PubMed 17576681 (cited by Labcorp Genetics (formerly Invitae), Labcorp); PubMed 9536098 (cited by Labcorp Genetics (formerly Invitae), Labcorp).

NM_032620.4(GTPBP3):c.974+3G>A

Gene: GTPBP3 (GTP binding protein 3, mitochondrial; plus strand). Cytogenetic location: 19p13.11.
Variant type: single nucleotide variant.
Coding change: c.974+3G>A on transcript NM_032620.4 (MANE Select); 3 bases into the intron after coding-DNA position 974, G replaced by A.
Molecular consequence: intron variant.
Genome position (GRCh38, 1-based): chr19:17,339,602, G>A. VCF-style: chr19-17339602-G-A. GRCh37 (hg19) VCF-style: chr19-17450411-G-A.
Other names: c.1040+3G>A (NM_001195422.1); c.1070+3G>A (NM_133644.4, NM_133644.3); c.974+3G>A (NM_001128855.3).
Identifiers: ClinVar variation 1486230 (VCV001486230.5), dbSNP rs1291303532, ClinGen allele CA783815547.